The following is an entry in ClinVar:

ClinVar aggregate classification (germline): Uncertain significance (1 of 4 stars; one submission).

Conditions:
Inborn genetic diseases. Identifiers: MedGen C0950123, MeSH D030342.

Allele frequency attached by ClinVar (database versions not stated): gnomAD exomes below 0.00001; TOPMed below 0.00001.
gnomAD v4.1: 2 of 1,614,252 alleles (0.00012%); highest among the groups gnomAD compares: African/African-American, 0.0027%; no homozygotes.

Submission:

Ambry Genetics
Classification: Uncertain significance for Inborn genetic diseases. Last evaluated: 2019-04-13. Review status: criteria provided, single submitter. Criteria: Ambry Variant Classification Scheme 2023. Collection method: clinical testing. Allele origin: germline.
Comment: The p.G2961E variant (also known as c.8882G>A), located in coding exon 64 of the SZT2 gene, results from a G to A substitution at nucleotide position 8882. The glycine at codon 2961 is replaced by glutamic acid, an amino acid with similar properties. This amino acid position is highly conserved in available vertebrate species. In addition, the in silico prediction for this alteration is inconclusive. Since supporting evidence is limited at this time, the clinical significance of this alteration remains unclear.

NM_001365999.1(SZT2):c.9053G>A (p.Gly3018Glu)

Gene: SZT2 (SZT2 subunit of KICSTOR complex; plus strand). Cytogenetic location: 1p34.2.
Variant type: single nucleotide variant.
Coding change: c.9053G>A on transcript NM_001365999.1 (MANE Select); coding-DNA position 9053, G replaced by A.
Protein change: p.Gly3018Glu; replaces glycine 3018 with glutamic acid.
Molecular consequence: missense variant.
Genome position (GRCh38, 1-based): chr1:43,446,397, G>A. VCF-style: chr1-43446397-G-A. GRCh37 (hg19) VCF-style: chr1-43912068-G-A.
Other names: c.8882G>A, p.Gly2961Glu (NM_015284.4); c.494G>A, p.Gly165Glu (NM_024547.1); short protein forms G2961E, G165E, G3018E.
Identifiers: ClinVar variation 1764973 (VCV001764973.2), dbSNP rs1655677117, ClinGen allele CA340042146.